The following is an entry in ClinVar:

ClinVar aggregate classification (germline): Benign/Likely benign. Review status: criteria provided, multiple submitters, no conflicts (2 of 4 stars). 5 submissions from 5 submitters: Benign (3); Likely benign (2). Last evaluated 2026-02-01.

Conditions:
Leber congenital amaurosis 17 (LCA17). Identifiers: Orphanet 65, MedGen C3715164, MONDO:0014145, OMIM 615360.
Klippel-Feil syndrome 1, autosomal dominant (KFS1). Also called: CERVICAL VERTEBRAL FUSION, AUTOSOMAL DOMINANT. Identifiers: Orphanet 2345, MedGen C1861689, MONDO:0007306, OMIM 118100.
Isolated microphthalmia 4. Identifiers: Orphanet 2542, MedGen C2751307, MONDO:0013130, OMIM 613094.
Microphthalmia, isolated, with coloboma 6 (MCOPCB6). Also called: Microphthalmia with coloboma 6, digenic; Microphthalmia with coloboma 6; MICROPHTHALMIA/COLOBOMA 6. Identifiers: Orphanet 98938, MedGen C3150968, MONDO:0013376, OMIM 613703.

Allele frequency attached by ClinVar (database versions not stated): gnomAD 0.02532 and 0.02643; TOPMed 0.02663; 1000 Genomes Project 0.01058; 1000 Genomes Project 30x 0.01359; gnomAD exomes 0.03340; ExAC 0.01597.
gnomAD v4.1: 50,066 of 1,379,714 alleles (3.6%); highest among the groups gnomAD compares: Non-Finnish European, 4.2%; 1,047 homozygotes.

Submissions (5):

Labcorp Genetics (formerly Invitae), Labcorp
Classification: Benign for Isolated microphthalmia 4; Leber congenital amaurosis 17; Klippel-Feil syndrome 1, autosomal dominant; Microphthalmia, isolated, with coloboma 6. Last evaluated: 2026-02-01. Review status: criteria provided, single submitter. Criteria: Invitae Variant Classification Sherloc (09022015). Collection method: clinical testing. Allele origin: germline.

GeneDx
Classification: Benign. Last evaluated: 2019-02-14. Review status: criteria provided, single submitter. Criteria: GeneDx Variant Classification Process June 2021. Collection method: clinical testing. Allele origin: germline. Affected: yes.

Illumina Laboratory Services, Illumina
Classification: Benign for Klippel-Feil syndrome 1, autosomal dominant. Last evaluated: 2018-01-13. Review status: criteria provided, single submitter. Criteria: ICSL Variant Classification Criteria 13 December 2019. Collection method: clinical testing. Allele origin: germline.
Comment: This variant was observed in the ICSL laboratory as part of a predisposition screen in an ostensibly healthy population. It had not been previously curated by ICSL or reported in the Human Gene Mutation Database (HGMD: prior to June 1st, 2018), and was therefore a candidate for classification through an automated scoring system. Utilizing variant allele frequency, disease prevalence and penetrance estimates, and inheritance mode, an automated score was calculated to assess if this variant is too frequent to cause the disease. Based on the score and internal cut-off values, a variant classified as benign is not then subjected to further curation. The score for this variant resulted in a classification of benign for this disease.

Breakthrough Genomics
Classification: Likely benign. Review status: criteria provided, single submitter. Criteria: ACMG Guidelines, 2015. Collection method: not provided. Allele origin: germline. Inheritance: Autosomal recessive inheritance. Affected: yes.

PreventionGenetics, part of Exact Sciences
Classification: Likely benign. Review status: criteria provided, single submitter. Criteria: ACMG Guidelines, 2015. Collection method: clinical testing. Allele origin: germline.

NM_001001557.4(GDF6):c.936G>C (p.Ser312=)

Gene: GDF6 (growth differentiation factor 6; minus strand). Cytogenetic location: 8q22.1.
Variant type: single nucleotide variant.
Coding change: c.936G>C on transcript NM_001001557.4 (MANE Select); coding-DNA position 936, G replaced by C.
Protein change: p.Ser312=; no amino-acid change (serine 312 retained).
Molecular consequence: synonymous variant.
Genome position (GRCh38, 1-based): chr8:96,144,995, C>G on the plus strand (G>C on the coding strand, the complement: GDF6 is on the minus strand). VCF-style: chr8-96144995-C-G. GRCh37 (hg19) VCF-style: chr8-97157223-C-G.
Identifiers: ClinVar variation 256851 (VCV000256851.17), dbSNP rs148861809, ClinGen allele CA4815388.